The following is an entry in ClinVar:

NM_153700.2(STRC):c.2303_2313+1del

Gene: STRC (stereocilin; minus strand). Cytogenetic location: 15q15.3.
Variant type: Microsatellite.
Coding change: c.2303_2313+1del on transcript NM_153700.2 (MANE Select); coding-DNA position 2303 through the canonical splice donor site of the intron after coding-DNA position 2313, 12 bases deleted (GGAAGCTGCAGG).
Molecular consequence: splice donor variant.
Genome position (GRCh38, 1-based): chr15:43,614,195-43,614,206, CCTGCAGCTTCC deleted on the plus strand (GGAAGCTGCAGG on the coding strand, the reverse complement: STRC is on the minus strand); deleting any 12 consecutive bases within chr15:43,614,195-43,614,226 gives the same sequence; the c. name uses the placement nearest the transcript's 3' end. VCF-style (leftmost placement, unchanged base first): chr15-43614194-ACCTGCAGCTTCC-A. GRCh37 (hg19) VCF-style: chr15-43906392-ACCTGCAGCTTCC-A.
Other names: c.2303_2313+1del12 (NM_153700.2).
Identifiers: ClinVar variation 505036 (VCV000505036.8), dbSNP rs1021413948, ClinGen allele CA270012395.

ClinVar aggregate classification (germline): Uncertain significance. Review status: criteria provided, multiple submitters, no conflicts (2 of 4 stars). 3 submissions from 3 submitters: Uncertain significance (2). 1 of the submissions does not count toward it. Last evaluated 2026-05-26.

Conditions:
STRC-related disorder. Also called: STRC-related condition.
Autosomal recessive nonsyndromic hearing loss 16. Also called: DFNB16 Nonsyndromic Hearing Loss and Deafness; DEAFNESS, AUTOSOMAL RECESSIVE 16. Identifiers: Orphanet 90636, MedGen C1863561, MONDO:0011364, OMIM 603720.

Submissions (3):

PreventionGenetics, part of Exact Sciences
Classification: Uncertain significance for STRC-related condition. Last evaluated: 2026-05-26. Review status: criteria provided, single submitter. Criteria: ACMG Guidelines, 2015. Collection method: clinical testing. Allele origin: germline.
Comment: The STRC c.2303_2313+1del12 variant is predicted to result in a deletion affecting a canonical splice site. This variant overlaps the canonical splice donor site, and is predicted to impact splicing (Alamut Visual Plus v1.6.1). However, due to a tandem repeat this variant could also be described as c.2302_2313del, which is not predicted to impact splicing but would instead result in an in-frame deletion of four amino acids (p.Gly768_Gln771del). This variant has been reported in the homozygous state in a patient with sensorineural hearing loss, although the location of this variant in the STRC functional gene or STRCP1 pseudogene was not determined (Francey et al. 2012. PubMed ID: 22147502). This variant has been reported in the compound heterozygous state with another potentially causative variant in two patients with hearing loss and was Sanger confirmed using primers specific to the STRC functional gene (Patient 24 along with c.5125A>G (p.Thr1709Ala), Vona et al. 2015. PubMed ID: 26011646; Patient SB175-334 along with c.5125A>G (p.Thr1709Ala), Kim et al. 2016. PubMed ID: 27057829; same patient SB175-334 along with c.5125A>G (p.Thr1709Ala), Kim et al. 2020. PubMed ID: 32203226). This variant was also reported without a second potentially causative variant in three patients with hearing loss (Table S1, Safka Brozkova et al. 2020. PubMed ID: 32860223). This variant has been reported along with a second causative variant (not specified) in two family members with hearing loss by another laboratory in ClinVar (ID: 505036). This variant is reported in 0.14% of alleles in individuals of African descent in gnomAD, but this data may be inaccurate due to misalignment of NGS reads between the functional and pseudogene. While we suspect this variant may be pathogenic, at this time, the clinical significance of this variant is uncertain due to the absence of conclusive functional and genetic evidence.

Laboratory for Molecular Medicine, Mass General Brigham Personalized Medicine
Classification: Uncertain significance. Last evaluated: 2022-12-02. Review status: criteria provided, single submitter. Criteria: ACMG Guidelines, 2015. Collection method: clinical testing. Allele origin: germline.
Comment: The c.2303_2313+1del variant in STRC has been identified by our laboratory in one family with hearing loss who had a likely pathogenic variant on the remaining copy of STRC and segregated in 2 affected family members. This variant has also been previously identified in 5 individuals with hearing loss, one of whom was homozygous, another who was compound heterozygous for an additional missense variant in STRC, and three of whom were heterozygous and lacked a second STRC variant (Francey 2012 PMID: 22147502, Vona 2015 PMID: 26011646, Brozkova 2020 PMID: 32860223). Data from large population studies is insufficient to assess the frequency of this variant. This variant is a deletion of 12 nucleotides including the last 11 nucleotides of exon 6 and the nucleotide at the +1 position in the intron. While this variant deletes the invariant +1 position of the splice consensus sequence, splice prediction tools indicate that the variant may result in an alternate splice site which would delete 12 nucleotides and therefore could result in an in-frame deletion of four amino acid residues. Furthermore, the sequence of the 12 nucleotides that are deleted are part of a repetitive sequence, and species conservation shows that the four deleted amino acids are only present in 1 other mammal (chimpanzee). This raises the possibility that an alternate splice site at this position may not impact the protein. However, it is also possible that this variant would cause altered splicing leading to an abnormal or absent protein, due the fact that this variant occurs in the invariant region (+/- 1/2) of the splice consensus sequence. In summary, while there is some suspicion for a pathogenic role, the clinical significance of the c.2303_2313+1del variant is uncertain due to the lack of frequency information and the conflicting conservation and computational data. ACMG/AMP Criteria applied: PM3, PP1_Moderate, PP3.

Zotz-Klimas Genetics Lab, MVZ Zotz Klimas
Classification: Uncertain significance for Autosomal recessive nonsyndromic hearing loss 16. Last evaluated: 2023-10-09. Review status: no assertion criteria provided. Collection method: clinical testing. Allele origin: germline. Affected: yes. Not counted in ClinVar's aggregate classification.

Literature cited by the submitters: PubMed 22147502 (cited by Laboratory for Molecular Medicine, Mass General Brigham Personalized Medicine); PubMed 26011646 (cited by Laboratory for Molecular Medicine, Mass General Brigham Personalized Medicine); PubMed 32203226 (cited by Laboratory for Molecular Medicine, Mass General Brigham Personalized Medicine); PubMed 32860223 (cited by Laboratory for Molecular Medicine, Mass General Brigham Personalized Medicine).